The following is an entry in ClinVar:

ClinVar aggregate classification (germline): Uncertain significance (1 of 4 stars; one submission).

gnomAD v4.1: 1 of 1,609,432 alleles (0.000062%); highest among the groups gnomAD compares: African/African-American, 0.0013%; no homozygotes.

Submission:

Labcorp Genetics (formerly Invitae), Labcorp
Classification: Uncertain significance. Last evaluated: 2022-06-25. Review status: criteria provided, single submitter. Criteria: Invitae Variant Classification Sherloc (09022015). Collection method: clinical testing. Allele origin: germline.
Comment: In summary, the available evidence is currently insufficient to determine the role of this variant in disease. Therefore, it has been classified as a Variant of Uncertain Significance. Algorithms developed to predict the effect of missense changes on protein structure and function output the following: SIFT: "Tolerated"; PolyPhen-2: "Benign"; Align-GVGD: "Class C0". The serine amino acid residue is found in multiple mammalian species, which suggests that this missense change does not adversely affect protein function. This variant has not been reported in the literature in individuals affected with PCNT-related conditions. This variant is not present in population databases (gnomAD no frequency). This sequence change replaces arginine, which is basic and polar, with serine, which is neutral and polar, at codon 1811 of the PCNT protein (p.Arg1811Ser).

NM_006031.6(PCNT):c.5431C>A (p.Arg1811Ser)

Gene: PCNT (pericentrin; plus strand). Cytogenetic location: 21q22.3.
Variant type: single nucleotide variant.
Coding change: c.5431C>A on transcript NM_006031.6 (MANE Select); coding-DNA position 5431, C replaced by A.
Protein change: p.Arg1811Ser; replaces arginine 1811 with serine.
Molecular consequence: missense variant.
Genome position (GRCh38, 1-based): chr21:46,411,504, C>A. VCF-style: chr21-46411504-C-A. GRCh37 (hg19) VCF-style: chr21-47831418-C-A.
Other names: c.5077C>A, p.Arg1693Ser (NM_001315529.2); short protein forms R1693S, R1811S.
Identifiers: ClinVar variation 1964337 (VCV001964337.5), dbSNP rs587784309, ClinGen allele CA410553434.